The following is an entry in ClinVar:

NM_001035.3(RYR2):c.8368G>A (p.Glu2790Lys)

Gene: RYR2 (ryanodine receptor 2; plus strand). Cytogenetic location: 1q43.
Variant type: single nucleotide variant.
Coding change: c.8368G>A on transcript NM_001035.3 (MANE Select); coding-DNA position 8368, G replaced by A.
Protein change: p.Glu2790Lys; replaces glutamic acid 2790 with lysine.
Molecular consequence: missense variant.
Genome position (GRCh38, 1-based): chr1:237,660,879, G>A. VCF-style: chr1-237660879-G-A. GRCh37 (hg19) VCF-style: chr1-237824179-G-A.
Other names: short protein forms E2790K.
Identifiers: ClinVar variation 3385792 (VCV003385792.4).

ClinVar aggregate classification (germline): Uncertain significance. Review status: criteria provided, multiple submitters, no conflicts (2 of 4 stars). 3 submissions from 3 submitters: Uncertain significance (3). Last evaluated 2024-12-22.

Conditions:
Catecholaminergic polymorphic ventricular tachycardia (CVPT). Also called: Catecholamine-induced polymorphic ventricular tachycardia. Identifiers: Orphanet 3286, MedGen C5574922, MONDO:0017990.
Cardiomyopathy (CMYO). Also called: Cardiomyopathies. Identifiers: Orphanet 167848, MedGen C0878544, MONDO:0004994, HP:0001638. Inheritance: Various modes of inheritance.
Catecholaminergic polymorphic ventricular tachycardia 1. Also called: VENTRICULAR TACHYCARDIA, CATECHOLAMINERGIC POLYMORPHIC, 1, WITH OR WITHOUT ATRIAL DYSFUNCTION AND/OR DILATED CARDIOMYOPATHY; VENTRICULAR TACHYCARDIA, STRESS-INDUCED POLYMORPHIC 1; RYR2-Related Catecholaminergic Polymorphic Ventricular Tachycardia. Identifiers: Orphanet 3286, MedGen C1631597, MONDO:0011484, OMIM 604772.

gnomAD v4.1: 1 of 1,541,774 alleles (0.000065%); highest among the groups gnomAD compares: Non-Finnish European, 0.000088%; no homozygotes.

Submissions (3):

Labcorp Genetics (formerly Invitae), Labcorp
Classification: Uncertain significance for Catecholaminergic polymorphic ventricular tachycardia 1. Last evaluated: 2024-12-22. Review status: criteria provided, single submitter. Criteria: Invitae Variant Classification Sherloc (09022015). Collection method: clinical testing. Allele origin: germline.
Comment: This sequence change replaces glutamic acid, which is acidic and polar, with lysine, which is basic and polar, at codon 2790 of the RYR2 protein (p.Glu2790Lys). This variant is not present in population databases (gnomAD no frequency). This variant has not been reported in the literature in individuals affected with RYR2-related conditions. Invitae Evidence Modeling of protein sequence and biophysical properties (such as structural, functional, and spatial information, amino acid conservation, physicochemical variation, residue mobility, and thermodynamic stability) indicates that this missense variant is not expected to disrupt RYR2 protein function with a negative predictive value of 95%. In summary, the available evidence is currently insufficient to determine the role of this variant in disease. Therefore, it has been classified as a Variant of Uncertain Significance.

Color Diagnostics, LLC DBA Color Health
Classification: Uncertain significance for Cardiomyopathy. Last evaluated: 2024-09-03. Review status: criteria provided, single submitter. Criteria: ACMG Guidelines, 2015. Collection method: clinical testing. Allele origin: germline.
Comment: This missense variant replaces glutamic acid with lysine at codon 2790 of the RYR2 protein. Computational prediction is inconclusive regarding the impact of this variant on protein structure and function (internally defined REVEL score threshold 0.5 < inconclusive < 0.7, PMID: 27666373). To our knowledge, functional studies have not been reported for this variant. This variant has not been reported in individuals affected with RYR2-related disorders in the literature. This variant has not been identified in the general population by the Genome Aggregation Database (gnomAD). The available evidence is insufficient to determine the role of this variant in disease conclusively. Therefore, this variant is classified as a Variant of Uncertain Significance.

All of Us Research Program, National Institutes of Health
Classification: Uncertain significance for Catecholaminergic polymorphic ventricular tachycardia. Last evaluated: 2024-08-06. Review status: criteria provided, single submitter. Criteria: ACMG Guidelines, 2015. Collection method: clinical testing. Allele origin: germline. Inheritance: Autosomal dominant inheritance. Observed: 1 variant allele, 1 heterozygote.
Comment: This study involves interpretation of variants in research participants for the purpose of population health screening. Participant phenotype was not available at the time of variant classification. Additional details can be found in publication PMID: 35346344, PMCID: PMC8962531